The following is an entry in ClinVar:

NM_001378183.1(PIEZO2):c.329+2T>G

Gene: PIEZO2 (piezo type mechanosensitive ion channel component 2; minus strand). Cytogenetic location: 18p11.21.
Variant type: single nucleotide variant.
Coding change: c.329+2T>G on transcript NM_001378183.1 (MANE Select); the canonical splice donor site of the intron after coding-DNA position 329, T replaced by G.
Molecular consequence: splice donor variant.
Genome position (GRCh38, 1-based): chr18:10,911,184, A>C on the plus strand (T>G on the coding strand, the complement: PIEZO2 is on the minus strand). VCF-style: chr18-10911184-A-C. GRCh37 (hg19) VCF-style: chr18-10911182-A-C.
Other names: c.329+2T>G (NM_022068.4, NM_001410871.1).
Identifiers: ClinVar variation 503995 (VCV000503995.2), dbSNP rs1377703869, ClinGen allele CA402028595.

ClinVar aggregate classification (germline): Likely pathogenic (1 of 4 stars; one submission).

Allele frequency attached by ClinVar (database versions not stated): gnomAD exomes 0.00001.

Submission:

GeneDx
Classification: Likely pathogenic. Last evaluated: 2018-02-09. Review status: criteria provided, single submitter. Criteria: GeneDx Variant Classification (06012015). Collection method: clinical testing. Allele origin: germline. Affected: yes.
Comment: The c.329+2 T>G variant has not been published as a pathogenic variant, nor has it been reported as a benign variant to our knowledge. The c.329+2 T>G variant is not observed at a significant frequency in large population cohorts (Lek et al., 2016). This splice site variant destroys the canonical splice donor site in intron 4. It is predicted to cause abnormal gene splicing, either leading to an abnormal message that is subject to nonsense-mediated mRNA decay, or to an abnormal protein product if the message is used for protein translation. Therefore, this variant is likely pathogenic; however, the possibility that it is benign cannot be excluded.